The following is an entry in ClinVar:

ClinVar aggregate classification (germline): Uncertain significance (1 of 4 stars; one submission).

Conditions:
Spinocerebellar ataxia 49 (SCA49). Identifiers: Orphanet 631106, MedGen C5676950, MONDO:0030805, OMIM 619806.

Submission:

OLLIN Analises Genomicas, OLLIN
Classification: Uncertain significance for Spinocerebellar ataxia 49. Last evaluated: 2026-08-06. Review status: criteria provided, single submitter. Criteria: ACMG Guidelines 2015 PMID 25741868. Collection method: clinical testing. Allele origin: germline. Inheritance: Autosomal dominant inheritance.
Comment: This missense variant, located in exon 5 (of 5), is absent from gnomAD and ClinVar and has not been identified in the literature. In silico analysis predicts that this variant has a tolerated effect. According to the currently available evidence, this variant has been classified as uncertain significance (PM2_P, BP4_M).

NM_152703.5(SAMD9L):c.1221C>A (p.Asp407Glu)

Gene: SAMD9L (sterile alpha motif domain containing 9 like; minus strand). Cytogenetic location: 7q21.2.
Variant type: single nucleotide variant.
Coding change: c.1221C>A on transcript NM_152703.5 (MANE Select); coding-DNA position 1221, C replaced by A.
Protein change: p.Asp407Glu; replaces aspartic acid 407 with glutamic acid.
Molecular consequence: missense variant.
Genome position (GRCh38, 1-based): chr7:93,134,751, G>T on the plus strand (C>A on the coding strand, the complement: SAMD9L is on the minus strand). VCF-style: chr7-93134751-G-T. GRCh37 (hg19) VCF-style: chr7-92764064-G-T.
Other names: c.1221C>A, p.Asp407Glu (NM_001303496.3, NM_001303497.3, NM_001303498.3 and 5 more transcripts); short protein forms D407E.
Identifiers: ClinVar variation 5003108 (VCV005003108.1).